The following is an entry in ClinVar:

NM_144973.4(DENND5B):c.1794_1795del (p.Leu598_Tyr599insTer)

Gene: DENND5B (DENN domain containing 5B; minus strand). Cytogenetic location: 12p11.21.
Variant type: Deletion.
Coding change: c.1794_1795del on transcript NM_144973.4 (MANE Select); coding-DNA positions 1794 to 1795, 2 bases deleted (GT; older notation c.1794_1795delGT).
Protein change: p.Leu598_Tyr599insTer.
Molecular consequence: frameshift variant.
Genome position (GRCh38, 1-based): chr12:31,447,604-31,447,605, AC deleted on the plus strand (GT on the coding strand, the reverse complement: DENND5B is on the minus strand); deleting any 2 consecutive bases within chr12:31,447,604-31,447,606 gives the same sequence; the c. name uses the placement nearest the transcript's 3' end. VCF-style (leftmost placement, unchanged base first): chr12-31447603-TAC-T. GRCh37 (hg19) VCF-style: chr12-31600537-TAC-T.
Other names: c.1899_1900del, p.Leu633_Tyr634insTer (NM_001308339.2); c.1860_1861del, p.Leu620_Tyr621insTer (NM_001366890.1).
Identifiers: ClinVar variation 4291108 (VCV004291108.1).
Genomic context (GRCh38, chr12:31,447,603, plus strand): 5'-TCTTTTAAAGTGCTGCATTTCTGATATATAGATGTCCGCAAGGTGGGTGCCCTTACATTA[TAC>T]AGCCTTATCTTATCAATCCGAGTGTCAAAGACCCGAAGCAAAGGATCTTTCTCTTCCCAC-3'

ClinVar aggregate classification (germline): Uncertain significance (1 of 4 stars; one submission).

Conditions:
DENNDB5-associated neurodevelopmental disorder.

Submission:

Institute of Human Genetics, University of Leipzig Medical Center
Classification: Uncertain significance for DENNDB5-associated neurodevelopmental disorder. Last evaluated: 2025-09-26. Review status: criteria provided, single submitter. Criteria: ACMG Guidelines, 2015. Collection method: clinical testing. Allele origin: unknown. Inheritance: Autosomal dominant inheritance. Affected: yes.
Comment: Criteria applied: PM2

Literature cited by the submitters: PubMed 38387458.